The following is an entry in ClinVar:

NM_000069.3(CACNA1S):c.4081T>A (p.Phe1361Ile)

Gene: CACNA1S (calcium voltage-gated channel subunit alpha1 S; minus strand). Cytogenetic location: 1q32.1.
Variant type: single nucleotide variant.
Coding change: c.4081T>A on transcript NM_000069.3 (MANE Select); coding-DNA position 4081, T replaced by A.
Protein change: p.Phe1361Ile; replaces phenylalanine 1361 with isoleucine.
Molecular consequence: missense variant.
Genome position (GRCh38, 1-based): chr1:201,051,016, A>T on the plus strand (T>A on the coding strand, the complement: CACNA1S is on the minus strand). VCF-style: chr1-201051016-A-T. GRCh37 (hg19) VCF-style: chr1-201020144-A-T.
Other names: short protein forms F1361I.
Identifiers: ClinVar variation 3072441 (VCV003072441.3), dbSNP rs1558056421, ClinGen allele CA344149803.

ClinVar aggregate classification (germline): Uncertain significance. Review status: criteria provided, multiple submitters, no conflicts (2 of 4 stars). 2 submissions from 2 submitters: Uncertain significance (2). Last evaluated 2024-09-03.

Conditions:
Malignant hyperthermia, susceptibility to, 5 (MHS5). Also called: CACNA1S-Related Malignant Hyperthermia Susceptibility. Identifiers: Orphanet 423, MedGen C1866077, MONDO:0011163, OMIM 601887.
Hypokalemic periodic paralysis, type 1. Also called: HypoPP; Hypokalemic Periodic Paralysis Type 1 (AD). Identifiers: Orphanet 681, MedGen C3714580, MONDO:0042979, OMIM 170400.

gnomAD v4.1: 2 of 1,614,216 alleles (0.00012%); highest among the groups gnomAD compares: African/African-American, 0.0013%; no homozygotes.

Submissions (2):

Labcorp Genetics (formerly Invitae), Labcorp
Classification: Uncertain significance for Hypokalemic periodic paralysis, type 1; Malignant hyperthermia, susceptibility to, 5. Last evaluated: 2024-09-03. Review status: criteria provided, single submitter. Criteria: Invitae Variant Classification Sherloc (09022015). Collection method: clinical testing. Allele origin: germline.
Comment: This sequence change replaces phenylalanine, which is neutral and non-polar, with isoleucine, which is neutral and non-polar, at codon 1361 of the CACNA1S protein (p.Phe1361Ile). This variant is not present in population databases (gnomAD no frequency). This variant has not been reported in the literature in individuals affected with CACNA1S-related conditions. Invitae Evidence Modeling of protein sequence and biophysical properties (such as structural, functional, and spatial information, amino acid conservation, physicochemical variation, residue mobility, and thermodynamic stability) indicates that this missense variant is expected to disrupt CACNA1S protein function with a positive predictive value of 80%. In summary, the available evidence is currently insufficient to determine the role of this variant in disease. Therefore, it has been classified as a Variant of Uncertain Significance.

All of Us Research Program, National Institutes of Health
Classification: Uncertain significance for Malignant hyperthermia, susceptibility to, 5. Last evaluated: 2023-07-10. Review status: criteria provided, single submitter. Criteria: ACMG Guidelines, 2015. Collection method: clinical testing. Allele origin: germline. Inheritance: Autosomal dominant inheritance. Observed: 1 variant allele, 1 heterozygote.
Comment: This missense variant replaces phenylalanine with isoleucine at codon 1361 of the CACNA1S protein. Computational prediction suggests that this variant may have deleterious impact on protein structure and function (internally defined REVEL score threshold >= 0.7, PMID: 27666373). To our knowledge, functional studies have not been reported for this variant. This variant has not been reported in individuals affected with CACNA1S-related disorders in the literature. This variant has not been identified in the general population by the Genome Aggregation Database (gnomAD). The available evidence is insufficient to determine the role of this variant in disease conclusively. Therefore, this variant is classified as a Variant of Uncertain Significance.

This study involves interpretation of variants in research participants for the purpose of population health screening. Participant phenotype was not available at the time of variant classification. Additional details can be found in publication PMID: 35346344, PMCID: PMC8962531